The following is an entry in ClinVar:

NM_000169.3(GLA):c.401A>G (p.Tyr134Cys)

Genes: GLA (galactosidase alpha; minus strand), RPL36A-HNRNPH2 (RPL36A-HNRNPH2 readthrough; plus strand). Cytogenetic location: Xq22.1.
Variant type: single nucleotide variant.
Coding change: c.401A>G on transcript NM_000169.3 (MANE Select); coding-DNA position 401, A replaced by G.
Protein change: p.Tyr134Cys; replaces tyrosine 134 with cysteine.
Molecular consequence: missense variant. On other transcripts: non-coding transcript variant (3), intron variant (2).
Genome position (GRCh38, 1-based): chrX:101,401,778, T>C on the plus strand (A>G on the coding strand, the complement: GLA is on the minus strand). VCF-style: chrX-101401778-T-C. GRCh37 (hg19) VCF-style: chrX-100656766-T-C.
Other names: c.524A>G, p.Tyr175Cys (NM_001406747.1, NM_001406749.1); c.401A>G, p.Tyr134Cys (NM_001406748.1); c.300+6321T>C (NM_001199973.2); c.177+9956T>C (NM_001199974.2); short protein forms Y134C, Y175C.
Identifiers: ClinVar variation 4087359 (VCV004087359.2).

ClinVar aggregate classification (germline): Likely pathogenic (1 of 4 stars; one submission).

Conditions:
Fabry disease. Also called: ALPHA-GALACTOSIDASE A DEFICIENCY; ANDERSON-FABRY DISEASE; CERAMIDE TRIHEXOSIDASE DEFICIENCY; GLA DEFICIENCY; HEREDITARY DYSTOPIC LIPIDOSIS; Angiokeratoma corporis diffusum. Identifiers: Orphanet 324, MedGen C0002986, MONDO:0010526, OMIM 301500, HP:0001071. Disease mechanism: Fabry disease is due to inactivating mutations in the X-linked GLA gene resulting in deficiency of the enzyme Alpha Galactosidase-A., loss of function.

Submission:

Genomenon, Inc
Classification: Likely pathogenic for Fabry disease. Last evaluated: 2026-09-08. Review status: criteria provided, single submitter. Criteria: Genomenon Sequence Variant Interpretation Standards - Updated. Collection method: curation. Allele origin: germline. Affected: yes.
Comment: GLA p.Tyr134Cys (c.401A>G) is a missense variant that changes the amino acid at codon 134 from Tyrosine to Cysteine. This variant has been observed in at least one proband with clinical features consistent with Fabry disease (PMID:36745055). This variant is located in a mutational hotspot and/or important functional domain. It is absent or not present at a significant frequency in gnomAD. In silico models predict that this variant is possibly or probably damaging. In conclusion, we classify GLA p.Tyr134Cys (c.401A>G) as a likely pathogenic variant.

Literature cited by the submitters: PubMed 36745055.